The following is an entry in ClinVar:

NM_000057.4(BLM):c.1553C>G (p.Ser518Cys)

Gene: BLM (BLM RecQ like helicase; plus strand). Cytogenetic location: 15q26.1.
Variant type: single nucleotide variant.
Coding change: c.1553C>G on transcript NM_000057.4 (MANE Select); coding-DNA position 1553, C replaced by G.
Protein change: p.Ser518Cys; replaces serine 518 with cysteine.
Molecular consequence: missense variant.
Genome position (GRCh38, 1-based): chr15:90,760,926, C>G. VCF-style: chr15-90760926-C-G. GRCh37 (hg19) VCF-style: chr15-91304156-C-G.
Other names: c.1553C>G, p.Ser518Cys (NM_001287246.2, NM_001287247.2); c.428C>G, p.Ser143Cys (NM_001287248.2); short protein forms S143C, S518C.
Identifiers: ClinVar variation 2452550 (VCV002452550.2), dbSNP rs1596230143, ClinGen allele CA393843314.

ClinVar aggregate classification (germline): Uncertain significance (1 of 4 stars; one submission).

Conditions:
Hereditary cancer-predisposing syndrome. Also called: Neoplastic Syndromes, Hereditary; Tumor predisposition; Hereditary neoplastic syndrome; Hereditary Cancer Syndrome. Identifiers: Orphanet 140162, MedGen C0027672, MeSH D009386, MONDO:0015356.

Submission:

Ambry Genetics
Classification: Uncertain significance for Hereditary cancer-predisposing syndrome. Last evaluated: 2023-01-12. Review status: criteria provided, single submitter. Criteria: Ambry Variant Classification Scheme 2023. Collection method: clinical testing. Allele origin: germline.
Comment: The p.S518C variant (also known as c.1553C>G), located in coding exon 6 of the BLM gene, results from a C to G substitution at nucleotide position 1553. The serine at codon 518 is replaced by cysteine, an amino acid with dissimilar properties. This amino acid position is conserved. In addition, this alteration is predicted to be tolerated by in silico analysis. Since supporting evidence is limited at this time, the clinical significance of this alteration remains unclear.